The following is an entry in ClinVar:

ClinVar aggregate classification (germline): Uncertain significance (1 of 4 stars; one submission).

Submission:

Labcorp Genetics (formerly Invitae), Labcorp
Classification: Uncertain significance. Last evaluated: 2022-04-04. Review status: criteria provided, single submitter. Criteria: Invitae Variant Classification Sherloc (09022015). Collection method: clinical testing. Allele origin: germline.
Comment: In summary, the available evidence is currently insufficient to determine the role of this variant in disease. Therefore, it has been classified as a Variant of Uncertain Significance. Experimental studies and prediction algorithms are not available or were not evaluated, and the functional significance of this variant is currently unknown. This variant has not been reported in the literature in individuals affected with VPS11-related conditions. This variant is not present in population databases (gnomAD no frequency). This sequence change replaces serine, which is neutral and polar, with tryptophan, which is neutral and slightly polar, at codon 468 of the VPS11 protein (p.Ser468Trp).

NM_021729.6(VPS11):c.1403C>G (p.Ser468Trp)

Gene: VPS11 (VPS11 core subunit of CORVET and HOPS complexes; plus strand). Cytogenetic location: 11q23.3.
Variant type: single nucleotide variant.
Coding change: c.1403C>G on transcript NM_021729.6 (MANE Select); coding-DNA position 1403, C replaced by G.
Protein change: p.Ser468Trp; replaces serine 468 with tryptophan.
Molecular consequence: missense variant. On other transcripts: non-coding transcript variant (8).
Genome position (GRCh38, 1-based): chr11:119,077,061, C>G. VCF-style: chr11-119077061-C-G. GRCh37 (hg19) VCF-style: chr11-118947771-C-G.
Other names: c.1373C>G, p.Ser458Trp (NM_001290185.2); c.1415C>G, p.Ser472Trp (NM_001378218.1, NM_001378219.1); c.1388C>G, p.Ser463Trp (NM_001378220.1); c.1385C>G, p.Ser462Trp (NM_001378221.1); short protein forms S463W, S472W, S462W, S458W, S468W.
Identifiers: ClinVar variation 1957856 (VCV001957856.5), dbSNP rs114313869, ClinGen allele CA382972715.
Genomic context (GRCh38, chr11:119,077,061, plus strand): 5'-TGGCCAATGCCGACCATACCACCCTGCTCCTCAACTGCTATACCAAGCTCAAGGACAGCT[C>G]GAAGCTGGAGGAGTTCATCAAGGTGCAGGATGTTGTTGGTGGGGAAGTCTTGGAGGCCCC-3'
Protein context (NP_068375.3, residues 458-478): LNCYTKLKDS[Ser468Trp]KLEEFIKKKS